The following is an entry in ClinVar:

NM_031220.4(PITPNM3):c.1442A>G (p.His481Arg)

Gene: PITPNM3 (PITPNM family member 3; minus strand). Cytogenetic location: 17p13.2.
Variant type: single nucleotide variant.
Coding change: c.1442A>G on transcript NM_031220.4 (MANE Select); coding-DNA position 1442, A replaced by G.
Protein change: p.His481Arg; replaces histidine 481 with arginine.
Molecular consequence: missense variant.
Genome position (GRCh38, 1-based): chr17:6,471,343, T>C on the plus strand (A>G on the coding strand, the complement: PITPNM3 is on the minus strand). VCF-style: chr17-6471343-T-C. GRCh37 (hg19) VCF-style: chr17-6374663-T-C.
Other names: c.1442A>G (NM_031220.3); c.1334A>G, p.His445Arg (NM_001165966.2); short protein forms H445R, H481R.
Identifiers: ClinVar variation 1005207 (VCV001005207.9), dbSNP rs771732183, ClinGen allele CA8329497.

ClinVar aggregate classification (germline): Uncertain significance. Review status: criteria provided, multiple submitters, no conflicts (2 of 4 stars). 2 submissions from 2 submitters: Uncertain significance (2). Last evaluated 2025-04-20.

Allele frequency attached by ClinVar (database versions not stated): ExAC below 0.00001; gnomAD exomes below 0.00001; gnomAD 0.00001; TOPMed 0.00001.
gnomAD v4.1: 2 of 1,598,016 alleles (0.00013%); highest among the groups gnomAD compares: African/African-American, 0.0013%; no homozygotes.

Submissions (2):

Ambry Genetics
Classification: Uncertain significance. Last evaluated: 2025-04-20. Review status: criteria provided, single submitter. Criteria: Ambry Variant Classification Scheme 2023. Collection method: clinical testing. Allele origin: germline.

Labcorp Genetics (formerly Invitae), Labcorp
Classification: Uncertain significance. Last evaluated: 2022-01-13. Review status: criteria provided, single submitter. Criteria: Invitae Variant Classification Sherloc (09022015). Collection method: clinical testing. Allele origin: germline.
Comment: In summary, the available evidence is currently insufficient to determine the role of this variant in disease. Therefore, it has been classified as a Variant of Uncertain Significance. Algorithms developed to predict the effect of missense changes on protein structure and function (SIFT, PolyPhen-2, Align-GVGD) all suggest that this variant is likely to be tolerated. ClinVar contains an entry for this variant (Variation ID: 1005207). This variant has not been reported in the literature in individuals affected with PITPNM3-related conditions. This variant is not present in population databases (gnomAD no frequency). This sequence change replaces histidine, which is basic and polar, with arginine, which is basic and polar, at codon 481 of the PITPNM3 protein (p.His481Arg).